The following is an entry in ClinVar:

NM_004415.4(DSP):c.2047G>C (p.Glu683Gln)

Gene: DSP (desmoplakin; plus strand). Cytogenetic location: 6p24.3.
Variant type: single nucleotide variant.
Coding change: c.2047G>C on transcript NM_004415.4 (MANE Select); coding-DNA position 2047, G replaced by C.
Protein change: p.Glu683Gln; replaces glutamic acid 683 with glutamine.
Molecular consequence: missense variant.
Genome position (GRCh38, 1-based): chr6:7,571,985, G>C. VCF-style: chr6-7571985-G-C. GRCh37 (hg19) VCF-style: chr6-7572218-G-C.
Other names: c.2047G>C, p.Glu683Gln (NM_001008844.3, NM_001319034.2); short protein forms E683Q.
Identifiers: ClinVar variation 2931492 (VCV002931492.3), dbSNP rs775181391, ClinGen allele CA362680434.
Genomic context (GRCh38, chr6:7,571,985, plus strand): 5'-AAGCAAGAAACATGGATGCTGATGGAGCTGCAGAAGATTCGCAGGCAGATAGAGCACTGC[G>C]AGGGCAGGATGACTCTCAAAAACCTCCCTCTAGCAGACCAGGGATCTTCTCACCACATCA-3'
Protein context (NP_004406.2, residues 673-693): QKIRRQIEHC[Glu683Gln]GRMTLKNLPL

ClinVar aggregate classification (germline): Uncertain significance (1 of 4 stars; one submission).

Conditions:
Arrhythmogenic cardiomyopathy with wooly hair and keratoderma. Also called: PALMOPLANTAR KERATODERMA WITH LEFT VENTRICULAR CARDIOMYOPATHY AND WOOLLY HAIR; Carvajal syndrome; Arrhythmogenic cardiomyopathy with woolly hair and keratoderma; Dilated cardiomyopathy with woolly hair and keratoderma. Identifiers: Orphanet 65282, MedGen C1854063, MONDO:0011581, OMIM 605676.
Arrhythmogenic right ventricular dysplasia 8 (ARVD8). Also called: Arrhythmogenic Right Ventricular Dysplasia/Cardiomyopathy 8; ARRHYTHMOGENIC RIGHT VENTRICULAR DYSPLASIA, FAMILIAL, 8; ARRHYTHMOGENIC RIGHT VENTRICULAR CARDIOMYOPATHY 8. Identifiers: MedGen C1843896, MONDO:0011831, OMIM 607450.

gnomAD v4.1: 1 of 1,614,184 alleles (0.000062%); highest among the groups gnomAD compares: East Asian, 0.0022%; no homozygotes.

Submission:

Labcorp Genetics (formerly Invitae), Labcorp
Classification: Uncertain significance for Arrhythmogenic cardiomyopathy with wooly hair and keratoderma; Arrhythmogenic right ventricular dysplasia 8. Last evaluated: 2023-05-27. Review status: criteria provided, single submitter. Criteria: Invitae Variant Classification Sherloc (09022015). Collection method: clinical testing. Allele origin: germline.
Comment: An algorithm developed to predict the effect of missense changes on protein structure and function (PolyPhen-2) suggests that this variant is likely to be disruptive. In summary, the available evidence is currently insufficient to determine the role of this variant in disease. Therefore, it has been classified as a Variant of Uncertain Significance. This variant has not been reported in the literature in individuals affected with DSP-related conditions. This variant is not present in population databases (gnomAD no frequency). This sequence change replaces glutamic acid, which is acidic and polar, with glutamine, which is neutral and polar, at codon 683 of the DSP protein (p.Glu683Gln).